The following is an entry in ClinVar:

NM_015046.7(SETX):c.34G>T (p.Ala12Ser)

Gene: SETX (senataxin; minus strand). Cytogenetic location: 9q34.13.
Variant type: single nucleotide variant.
Coding change: c.34G>T on transcript NM_015046.7 (MANE Select); coding-DNA position 34, G replaced by T.
Protein change: p.Ala12Ser; replaces alanine 12 with serine.
Molecular consequence: missense variant.
Genome position (GRCh38, 1-based): chr9:132,349,395, C>A on the plus strand (G>T on the coding strand, the complement: SETX is on the minus strand). VCF-style: chr9-132349395-C-A. GRCh37 (hg19) VCF-style: chr9-135224782-C-A.
Other names: c.34G>T, p.Ala12Ser (NM_001351527.2, NM_001351528.2); short protein forms A12S.
Identifiers: ClinVar variation 2932626 (VCV002932626.4), dbSNP rs763609145, ClinGen allele CA5298150.
Genomic context (GRCh38, chr9:132,349,395, plus strand): 5'-TTTGAAATTCACCGGACGGAGTGTTGGAAGCATAGCGCTTTAGGAAGTCAATGGTGGAAG[C>A]ACCACCTGGCGTACACCAACAACATGTGCTCATTCTGTACCTACAGCCAGAAAAGATGAC-3'
Protein context (NP_055861.3, residues 2-22): STCCWCTPGG[Ala12Ser]STIDFLKRYA

ClinVar aggregate classification (germline): Conflicting classifications of pathogenicity. Review status: criteria provided, conflicting classifications (1 of 4 stars). 2 submissions from 2 submitters: Uncertain significance (1); Likely benign (1). Last evaluated 2025-07-24.

Conditions:
Amyotrophic lateral sclerosis type 4 (ALS4). Also called: AMYOTROPHIC LATERAL SCLEROSIS 4, JUVENILE; NEURONOPATHY, DISTAL HEREDITARY MOTOR, WITH PYRAMIDAL FEATURES. Identifiers: Orphanet 357043, MedGen C1865409, MONDO:0011223, OMIM 602433.
Spinocerebellar ataxia, autosomal recessive, with axonal neuropathy 2 (SCAN2). Also called: ATAXIA-OCULOMOTOR APRAXIA 2; Ataxia with Oculomotor Apraxia Type 2; Ataxia-ocular apraxia-2; Ataxia with Oculomotor Apraxia. Identifiers: Orphanet 64753, MedGen C1853761, MONDO:0018996, OMIM 606002.

Allele frequency attached by ClinVar (database versions not stated): ExAC 0.00001; gnomAD 0.00001.
gnomAD v4.1: 14 of 1,614,054 alleles (0.00087%); highest among the groups gnomAD compares: Non-Finnish European, 0.0011%; no homozygotes.

Submissions (2):

GeneDx
Classification: Uncertain significance. Last evaluated: 2025-07-24. Review status: criteria provided, single submitter. Criteria: GeneDx Variant Classification Process June 2021. Collection method: clinical testing. Allele origin: germline. Affected: yes.
Comment: Not observed at significant frequency in large population cohorts (gnomAD); In silico analysis suggests that this missense variant does not alter protein structure/function; Has not been previously published as pathogenic or benign to our knowledge

Labcorp Genetics (formerly Invitae), Labcorp
Classification: Likely benign for Amyotrophic lateral sclerosis type 4; Spinocerebellar ataxia, autosomal recessive, with axonal neuropathy 2. Last evaluated: 2025-03-31. Review status: criteria provided, single submitter. Criteria: Invitae Variant Classification Sherloc (09022015). Collection method: clinical testing. Allele origin: germline.